The following is an entry in ClinVar:

NM_005477.3(HCN4):c.1081A>C (p.Thr361Pro)

Genes: HCN4 (hyperpolarization activated cyclic nucleotide gated potassium channel 4; minus strand), LOC105370890 (uncharacterized LOC105370890; plus strand), LOC126862173 (CDK7 strongly-dependent group 2 enhancer GRCh37_chr15:73635762-73636961; plus strand). Cytogenetic location: 15q24.1.
Variant type: single nucleotide variant.
Coding change: c.1081A>C on transcript NM_005477.3 (MANE Select); coding-DNA position 1081, A replaced by C.
Protein change: p.Thr361Pro; replaces threonine 361 with proline.
Molecular consequence: missense variant. On other transcripts: non-coding transcript variant (1).
Genome position (GRCh38, 1-based): chr15:73,343,513, T>G on the plus strand (A>C on the coding strand, the complement: HCN4 is on the minus strand). VCF-style: chr15-73343513-T-G. GRCh37 (hg19) VCF-style: chr15-73635854-T-G.
Other names: short protein forms T361P.
Identifiers: ClinVar variation 4034009 (VCV004034009.1).

ClinVar aggregate classification (germline): Uncertain significance (1 of 4 stars; one submission).

Conditions:
Cardiovascular phenotype. Identifiers: MedGen CN230736.

Submission:

Ambry Genetics
Classification: Uncertain significance for Cardiovascular phenotype. Last evaluated: 2025-05-06. Review status: criteria provided, single submitter. Criteria: Ambry Variant Classification Scheme 2023. Collection method: clinical testing. Allele origin: germline.
Comment: The p.T361P variant (also known as c.1081A>C), located in coding exon 2 of the HCN4 gene, results from an A to C substitution at nucleotide position 1081. The threonine at codon 361 is replaced by proline, an amino acid with highly similar properties. This amino acid position is conserved. In addition, this alteration is predicted to be deleterious by in silico analysis. Based on the available evidence, the clinical significance of this variant remains unclear.